The following is an entry in ClinVar:

NM_031407.7(HUWE1):c.5543G>C (p.Ser1848Thr)

Gene: HUWE1 (HECT, UBA and WWE domain containing E3 ubiquitin protein ligase 1; minus strand). Cytogenetic location: Xp11.22.
Variant type: single nucleotide variant.
Coding change: c.5543G>C on transcript NM_031407.7 (MANE Select); coding-DNA position 5543, G replaced by C.
Protein change: p.Ser1848Thr; replaces serine 1848 with threonine.
Molecular consequence: missense variant.
Genome position (GRCh38, 1-based): chrX:53,581,004, C>G on the plus strand (G>C on the coding strand, the complement: HUWE1 is on the minus strand). VCF-style: chrX-53581004-C-G. GRCh37 (hg19) VCF-style: chrX-53607964-C-G.
Other names: short protein forms S1848T.
Identifiers: ClinVar variation 4056776 (VCV004056776.3).

ClinVar aggregate classification (germline): Uncertain significance. Review status: criteria provided, multiple submitters, no conflicts (2 of 4 stars). 2 submissions from 2 submitters: Uncertain significance (2). Last evaluated 2025-10-13.

Conditions:
Intellectual developmental disorder, X-linked, syndromic, Turner type. Also called: X-linked intellectual disability, Turner type; Intellectual disability, X-linked syndromic, Turner type. Identifiers: Orphanet 3056, Orphanet 85328, MedGen C2678046, MONDO:0010407, OMIM 309590.

Submissions (2):

Dasa
Classification: Uncertain significance. Last evaluated: 2025-10-13. Review status: criteria provided, single submitter. Criteria: DASA Assertion Criteria. Collection method: clinical testing. Allele origin: germline.
Comment: NM_031407.7(HUWE1):c.5543G>C (p.Ser1848Thr) is a missense variant that results in the substitution of serine with threonine. This variant is absent from population databases. Computational prediction algorithms are consistent with a benign effect. The currently available literature and clinical evidence are not sufficient to establish a definitive association between this variant and the reported condition. Therefore, this variant is classified as a variant of uncertain significance.

Laboratorio de Genetica e Diagnostico Molecular, Hospital Israelita Albert Einstein
Classification: Uncertain significance for Intellectual developmental disorder, X-linked, syndromic, Turner type. Last evaluated: 2024-09-09. Review status: criteria provided, single submitter. Criteria: ACMG Guidelines, 2015. Collection method: clinical testing. Allele origin: germline. Affected: yes.
Comment: ACMG classification criteria: PM2 supporting, PP2 supporting, BP4 supporting